The following is an entry in ClinVar:

NM_144997.7(FLCN):c.57_58del (p.Phe20fs)

Gene: FLCN (folliculin; minus strand). Cytogenetic location: 17p11.2.
Variant type: Microsatellite.
Coding change: c.57_58del on transcript NM_144997.7 (MANE Select); coding-DNA positions 57 to 58, 2 bases deleted (CT; older notation c.57_58delCT).
Protein change: p.Phe20fs; shifts the reading frame from phenylalanine 20.
Molecular consequence: frameshift variant.
Genome position (GRCh38, 1-based): chr17:17,228,080-17,228,081, AG deleted on the plus strand (CT on the coding strand, the reverse complement: FLCN is on the minus strand); deleting any 2 consecutive bases within chr17:17,228,080-17,228,085 gives the same sequence; the c. name uses the placement nearest the transcript's 3' end. VCF-style (leftmost placement, unchanged base first): chr17-17228079-AAG-A. GRCh37 (hg19) VCF-style: chr17-17131393-AAG-A.
Other names: c.57_58del, p.Phe20fs (NM_001353229.2, NM_001353230.2, NM_001353231.2 and 1 more transcripts); c.57_58delCT (NM_144997.7); short protein forms F20fs.
Identifiers: ClinVar variation 1068469 (VCV001068469.15), dbSNP rs2145049426, ClinGen allele CA2580614018.
Genomic context (GRCh38, chr17:17,228,079, plus strand): 5'-CCAGGACTGTCCTCATTCCCATCCCCTTGAGGAAGTGGGGCGTGCAGCACCTCCGTGCAG[AAG>A]AGAGTGCGGGGGCCGTGGAGCTCGCAGAAGTGGCAGAGAGCCACGATGGCATTCATGGTG-3'

ClinVar aggregate classification (germline): Pathogenic. Review status: criteria provided, multiple submitters, no conflicts (2 of 4 stars). 6 submissions from 6 submitters: Pathogenic (5). 1 of the submissions does not count toward it. Last evaluated 2026-02-10.

Conditions:
Birt-Hogg-Dube syndrome 1 (BHD1). Also called: FIBROFOLLICULOMAS WITH TRICHODISCOMAS AND ACROCHORDONS. Identifiers: Orphanet 122, MedGen CN375946, MONDO:0800445, OMIM 135150.
Hereditary cancer-predisposing syndrome. Also called: Tumor predisposition; Hereditary neoplastic syndrome; Neoplastic Syndromes, Hereditary; Hereditary Cancer Syndrome. Identifiers: Orphanet 140162, MedGen C0027672, MeSH D009386, MONDO:0015356.
Birt-Hogg-Dube syndrome. Also called: Birt Hogg Dubé syndrome. Identifiers: Orphanet 122, MedGen C0346010, MONDO:0800444.

Submissions (6):

Department of Clinical Genetics, Copenhagen University Hospital, Rigshospitalet
Classification: Pathogenic for Birt-Hogg-Dube syndrome. Last evaluated: 2026-02-10. Review status: criteria provided, single submitter. Criteria: ACMG Guidelines, 2015. Collection method: clinical testing. Allele origin: germline.
Comment: The following ACMG criteria has been used: PM2_SUP; PVS1; PS4

Ambry Genetics
Classification: Pathogenic for Hereditary cancer-predisposing syndrome. Last evaluated: 2025-03-23. Review status: criteria provided, single submitter. Criteria: Ambry Variant Classification Scheme 2023. Collection method: clinical testing. Allele origin: germline.
Comment: The c.57_58delCT pathogenic mutation, located in coding exon 1 of the FLCN gene, results from a deletion of two nucleotides at nucleotide positions 57 to 58, causing a translational frameshift with a predicted alternate stop codon (p.F20Lfs*16). This alteration has been reported in multiple individuals from different populations with a personal and/or family history consistent with Birt-Hogg-Dube syndrome (Benusiglio PR et al. Orphanet J Rare Dis, 2014 Oct;9:163; Furuya M et al. Clin Genet, 2016 11;90:403-412; Yukawa T et al. Am J Case Rep, 2016 Oct;17:788-792; Rossing M et al. J Hum Genet, 2017 Feb;62:151-157; Furuya M et al. Pathol Int, 2019 Jan;69:1-12). This variant is considered to be rare based on population cohorts in the Genome Aggregation Database (gnomAD). In addition to the information presented in the literature, this alteration is expected to result in loss of function by premature protein truncation or nonsense-mediated mRNA decay. As such, this alteration is interpreted as a disease-causing mutation.

Center for Genomic Medicine, Rigshospitalet, Copenhagen University Hospital
Classification: Pathogenic. Last evaluated: 2025-03-04. Review status: criteria provided, single submitter. Criteria: ACMG Guidelines, 2015. Collection method: clinical testing. Allele origin: germline.

Myriad Genetics, Inc.
Classification: Pathogenic for Birt-Hogg-Dube syndrome 1. Last evaluated: 2024-12-30. Review status: criteria provided, single submitter. Criteria: Myriad Autosomal Dominant, Autosomal Recessive and X-Linked Classification Criteria (2023). Collection method: clinical testing. Allele origin: unknown.
Comment: This variant is considered pathogenic. This variant creates a frameshift predicted to result in premature protein truncation.

Labcorp Genetics (formerly Invitae), Labcorp
Classification: Pathogenic for Birt-Hogg-Dube syndrome. Last evaluated: 2024-05-08. Review status: criteria provided, single submitter. Criteria: Invitae Variant Classification Sherloc (09022015). Collection method: clinical testing. Allele origin: germline.
Comment: This sequence change creates a premature translational stop signal (p.Phe20Leufs*16) in the FLCN gene. It is expected to result in an absent or disrupted protein product. Loss-of-function variants in FLCN are known to be pathogenic (PMID: 15852235). This variant is not present in population databases (gnomAD no frequency). This premature translational stop signal has been observed in individual(s) with Birt-Hogg-Dubé syndrome (PMID: 25519458, 27220747, 27734835). ClinVar contains an entry for this variant (Variation ID: 1068469). For these reasons, this variant has been classified as Pathogenic.

Division of Respiratory Medicine of Juntendo University, Juntendo University Faculty of Medicine and Graduate School of Medicine
Classification: Pathogenic for Birt-Hogg-Dube syndrome 1. Last evaluated: 2023-07-01. Review status: no assertion criteria provided. Collection method: clinical testing. Allele origin: germline. Affected: yes. Not counted in ClinVar's aggregate classification.

Literature cited by the submitters: PubMed 27734835 (cited by 4 submitters); PubMed 25519458 (cited by Ambry Genetics and Labcorp Genetics (formerly Invitae), Labcorp); PubMed 27220747 (cited by Ambry Genetics and Labcorp Genetics (formerly Invitae), Labcorp); PubMed 27780965 (cited by Ambry Genetics); PubMed 28869776 (cited by Ambry Genetics); PubMed 30632664 (cited by Ambry Genetics); PubMed 15852235 (cited by Labcorp Genetics (formerly Invitae), Labcorp).